The following is an entry in ClinVar:

ClinVar aggregate classification (germline): Uncertain significance. Review status: criteria provided, multiple submitters, no conflicts (2 of 4 stars). 2 submissions from 2 submitters: Uncertain significance (2). Last evaluated 2023-12-07.

Allele frequency attached by ClinVar (database versions not stated): TOPMed 0.00003; gnomAD exomes 0.00008; gnomAD 0.00011; 1000 Genomes Project 30x 0.00062; ExAC 0.01695.
gnomAD v4.1: 95 of 1,165,928 alleles (0.0081%); highest among the groups gnomAD compares: South Asian, 0.3%; 1 homozygote.

Submissions (2):

Labcorp Genetics (formerly Invitae), Labcorp
Classification: Uncertain significance. Last evaluated: 2023-12-07. Review status: criteria provided, single submitter. Criteria: Invitae Variant Classification Sherloc (09022015). Collection method: clinical testing. Allele origin: germline.
Comment: This sequence change replaces arginine, which is basic and polar, with glycine, which is neutral and non-polar, at codon 2047 of the APC2 protein (p.Arg2047Gly). This variant is present in population databases (rs747863722, gnomAD 0.6%), including at least one homozygous and/or hemizygous individual. This variant has not been reported in the literature in individuals affected with APC2-related conditions. ClinVar contains an entry for this variant (Variation ID: 1810546). Advanced modeling of protein sequence and biophysical properties (such as structural, functional, and spatial information, amino acid conservation, physicochemical variation, residue mobility, and thermodynamic stability) has been performed at Invitae for this missense variant, however the output from this modeling did not meet the statistical confidence thresholds required to predict the impact of this variant on APC2 protein function. In summary, the available evidence is currently insufficient to determine the role of this variant in disease. Therefore, it has been classified as a Variant of Uncertain Significance.

GeneDx
Classification: Uncertain significance. Last evaluated: 2022-07-06. Review status: criteria provided, single submitter. Criteria: GeneDx Variant Classification Process June 2021. Collection method: clinical testing. Allele origin: germline. Affected: yes.
Comment: Reported previously in the heterozygous state in an individual with Dandy-Walker malformation who also had multiple regions of homozygosity; detailed clinical information and segregation studies not available (Wen et al., 2022); In silico analysis supports that this missense variant does not alter protein structure/function; This variant is associated with the following publications: (PMID: 35199448)

NM_005883.3(APC2):c.6139C>G (p.Arg2047Gly)

Gene: APC2 (APC regulator of WNT signaling pathway 2; plus strand). Cytogenetic location: 19p13.3.
Variant type: single nucleotide variant.
Coding change: c.6139C>G on transcript NM_005883.3 (MANE Select); coding-DNA position 6139, C replaced by G.
Protein change: p.Arg2047Gly; replaces arginine 2047 with glycine.
Molecular consequence: missense variant.
Genome position (GRCh38, 1-based): chr19:1,469,440, C>G. VCF-style: chr19-1469440-C-G. GRCh37 (hg19) VCF-style: chr19-1469439-C-G.
Other names: c.6136C>G, p.Arg2046Gly (NM_001351273.1); short protein forms R2047G, R2046G.
Identifiers: ClinVar variation 1810546 (VCV001810546.4), dbSNP rs747863722, ClinGen allele CA9046127.
Genomic context (GRCh38, chr19:1,469,440, plus strand): 5'-CGCCGCGGCCGGCCCGCGCTGCCCGCCGTCTTCCTCTGCTCCTCGCGCTGCGAAGAGCTC[C>G]GAGCGGCACCCCGGCAGGGCCCGGCCCCGGCCCGGCAGCGGCCCCCCGCGGCCCGACCCA-3'
Protein context (NP_005874.1, residues 2037-2057): FLCSSRCEEL[Arg2047Gly]AAPRQGPAPA